The following is an entry in ClinVar:

ClinVar aggregate classification (germline): Likely benign. Review status: criteria provided, multiple submitters, no conflicts (2 of 4 stars). 2 submissions from 2 submitters: Likely benign (2). Last evaluated 2025-10-29.

Allele frequency attached by ClinVar (database versions not stated): gnomAD 0.00003; ExAC 0.00005; TOPMed 0.00005; gnomAD exomes 0.00006; ESP Exome Variant Server 0.00008; 1000 Genomes Project 0.00020; 1000 Genomes Project 30x 0.00031.
gnomAD v4.1: 87 of 1,613,802 alleles (0.0054%); highest among the groups gnomAD compares: Non-Finnish European, 0.0064%; no homozygotes.

Submissions (2):

Athena Diagnostics
Classification: Likely benign. Last evaluated: 2025-10-29. Review status: criteria provided, single submitter. Criteria: Athena Diagnostics Criteria. Collection method: clinical testing. Allele origin: unknown.
Comment: Computational tools yielded predictions that this variant is unlikely to have an effect on normal RNA splicing. This nucleotide position exhibits low evolutionary conservation.

Labcorp Genetics (formerly Invitae), Labcorp
Classification: Likely benign. Last evaluated: 2025-02-17. Review status: criteria provided, single submitter. Criteria: Invitae Variant Classification Sherloc (09022015). Collection method: clinical testing. Allele origin: germline.

NM_001378452.1(ITPR1):c.7562-10G>A

Genes: ITPR1 (inositol 1,4,5-trisphosphate receptor type 1; plus strand), LOC126806590 (MED14-independent group 3 enhancer GRCh37_chr3:4855759-4856958; plus strand). Cytogenetic location: 3p26.1.
Variant type: single nucleotide variant.
Coding change: c.7562-10G>A on transcript NM_001378452.1 (MANE Select); 10 bases into the intron before coding-DNA position 7562, G replaced by A.
Molecular consequence: intron variant.
Genome position (GRCh38, 1-based): chr3:4,814,413, G>A. VCF-style: chr3-4814413-G-A. GRCh37 (hg19) VCF-style: chr3-4856097-G-A.
Other names: c.7418-10G>A (NM_001099952.4); c.7517-10G>A (NM_001168272.2); c.7373-10G>A (NM_002222.7).
Identifiers: ClinVar variation 2684243 (VCV002684243.5), dbSNP rs371836569, ClinGen allele CA2232907.